The following is an entry in ClinVar:

NM_002334.4(LRP4):c.2626A>C (p.Thr876Pro)

Gene: LRP4 (LDL receptor related protein 4; minus strand). Cytogenetic location: 11p11.2.
Variant type: single nucleotide variant.
Coding change: c.2626A>C on transcript NM_002334.4 (MANE Select); coding-DNA position 2626, A replaced by C.
Protein change: p.Thr876Pro; replaces threonine 876 with proline.
Molecular consequence: missense variant.
Genome position (GRCh38, 1-based): chr11:46,881,890, T>G on the plus strand (A>C on the coding strand, the complement: LRP4 is on the minus strand). VCF-style: chr11-46881890-T-G. GRCh37 (hg19) VCF-style: chr11-46903441-T-G.
Other names: short protein forms T876P.
Identifiers: ClinVar variation 639435 (VCV000639435.7), dbSNP rs1592529316, ClinGen allele CA380279200.

ClinVar aggregate classification (germline): Uncertain significance (1 of 4 stars; one submission).

Conditions:
Sclerosteosis 2 (SOST2). Identifiers: Orphanet 3152, MedGen C3280402, MONDO:0013679, OMIM 614305.
Cenani-Lenz syndactyly syndrome. Also called: CENANI SYNDACTYLISM; SYNDACTYLY, TYPE VII. Identifiers: Orphanet 3258, MedGen C1859309, MONDO:0008931, OMIM 212780.
Congenital myasthenic syndrome 17. Identifiers: Orphanet 590, MedGen C4225377, MONDO:0014578, OMIM 616304.

Submission:

Labcorp Genetics (formerly Invitae), Labcorp
Classification: Uncertain significance for Cenani-Lenz syndactyly syndrome; Sclerosteosis 2; Congenital myasthenic syndrome 17. Last evaluated: 2022-02-05. Review status: criteria provided, single submitter. Criteria: Invitae Variant Classification Sherloc (09022015). Collection method: clinical testing. Allele origin: germline.
Comment: This variant has not been reported in the literature in individuals affected with LRP4-related conditions. This variant is not present in population databases (gnomAD no frequency). This sequence change replaces threonine, which is neutral and polar, with proline, which is neutral and non-polar, at codon 876 of the LRP4 protein (p.Thr876Pro). ClinVar contains an entry for this variant (Variation ID: 639435). In summary, the available evidence is currently insufficient to determine the role of this variant in disease. Therefore, it has been classified as a Variant of Uncertain Significance. Algorithms developed to predict the effect of missense changes on protein structure and function (SIFT, PolyPhen-2, Align-GVGD) all suggest that this variant is likely to be disruptive.